The following is an entry in ClinVar:

NM_000052.7(ATP7A):c.1808A>G (p.Lys603Arg)

Gene: ATP7A (ATPase copper transporting alpha; plus strand). Cytogenetic location: Xq21.1.
Variant type: single nucleotide variant.
Coding change: c.1808A>G on transcript NM_000052.7 (MANE Select); coding-DNA position 1808, A replaced by G.
Protein change: p.Lys603Arg; replaces lysine 603 with arginine.
Molecular consequence: missense variant.
Genome position (GRCh38, 1-based): chrX:78,009,202, A>G. VCF-style: chrX-78009202-A-G. GRCh37 (hg19) VCF-style: chrX-77264699-A-G.
Other names: c.1808A>G, p.Lys603Arg (NM_001282224.2); short protein forms K603R.
Identifiers: ClinVar variation 1717832 (VCV001717832.3), dbSNP rs2522341379, ClinGen allele CA413597265.

ClinVar aggregate classification (germline): Uncertain significance (1 of 4 stars; one submission).

Conditions:
X-linked distal spinal muscular atrophy type 3. Also called: SPINAL MUSCULAR ATROPHY, DISTAL, X-LINKED RECESSIVE; NEURONOPATHY, DISTAL HEREDITARY MOTOR, X-LINKED; NEUROPATHY, DISTAL HEREDITARY MOTOR, X-LINKED; ATP7A-Related Distal Motor Neuropathy. Identifiers: Orphanet 139557, MedGen C1845359, MONDO:0010338, OMIM 300489.
Menkes kinky-hair syndrome (MNK). Also called: Copper transport disease; Classic Menkes Disease; Menkes Disease. Identifiers: Orphanet 565, MedGen C0022716, MONDO:0010651, OMIM 309400.
Cutis laxa, X-linked (OHS). Also called: EDS IX; Occipital horn syndrome. Identifiers: Orphanet 198, MedGen C0268353, MONDO:0010572, OMIM 304150.

Submission:

Labcorp Genetics (formerly Invitae), Labcorp
Classification: Uncertain significance for X-linked distal spinal muscular atrophy type 3; Cutis laxa, X-linked; Menkes kinky-hair syndrome. Last evaluated: 2022-08-23. Review status: criteria provided, single submitter. Criteria: Invitae Variant Classification Sherloc (09022015). Collection method: clinical testing. Allele origin: germline.
Comment: This sequence change replaces lysine, which is basic and polar, with arginine, which is basic and polar, at codon 603 of the ATP7A protein (p.Lys603Arg). This variant is not present in population databases (gnomAD no frequency). This variant has not been reported in the literature in individuals affected with ATP7A-related conditions. Advanced modeling of protein sequence and biophysical properties (such as structural, functional, and spatial information, amino acid conservation, physicochemical variation, residue mobility, and thermodynamic stability) performed at Invitae indicates that this missense variant is not expected to disrupt ATP7A protein function. In summary, the available evidence is currently insufficient to determine the role of this variant in disease. Therefore, it has been classified as a Variant of Uncertain Significance.